The following is an entry in ClinVar:

NM_001244710.2(GFPT1):c.*2269A>G

Gene: GFPT1 (glutamine--fructose-6-phosphate transaminase 1; minus strand). Cytogenetic location: 2p13.3.
Variant type: single nucleotide variant.
Coding change: c.*2269A>G on transcript NM_001244710.2 (MANE Select); 2269 bases downstream of the stop codon, A replaced by G.
Molecular consequence: 3 prime UTR variant.
Genome position (GRCh38, 1-based): chr2:69,323,920, T>C on the plus strand (A>G on the coding strand, the complement: GFPT1 is on the minus strand). VCF-style: chr2-69323920-T-C. GRCh37 (hg19) VCF-style: chr2-69551052-T-C.
Other names: c.*2269A>G (NM_002056.4).
Identifiers: ClinVar variation 336840 (VCV000336840.6), dbSNP rs10198171, ClinGen allele CA10615753.

ClinVar aggregate classification (germline): Benign. Review status: criteria provided, multiple submitters, no conflicts (2 of 4 stars). 2 submissions from 2 submitters: Benign (2). Last evaluated 2018-01-12.

Conditions:
Congenital myasthenic syndrome 12 (CMS12). Also called: MYASTHENIC SYNDROME, CONGENITAL, WITH TUBULAR AGGREGATES 1; Myasthenia, congenital, 12, with tubular aggregates. Identifiers: Orphanet 353327, Orphanet 590, MedGen C3552335, MONDO:0012518, OMIM 610542.

Allele frequency attached by ClinVar (database versions not stated): gnomAD exomes 0.58019; 1000 Genomes Project 0.64936; 1000 Genomes Project 30x 0.65475; gnomAD 0.65798 and 0.66442; TOPMed 0.66302.

Submissions (2):

Illumina Laboratory Services, Illumina
Classification: Benign for Congenital myasthenic syndrome 12. Last evaluated: 2018-01-12. Review status: criteria provided, single submitter. Criteria: ICSL Variant Classification Criteria 13 December 2019. Collection method: clinical testing. Allele origin: germline.
Comment: This variant was observed in the ICSL laboratory as part of a predisposition screen in an ostensibly healthy population. It had not been previously curated by ICSL or reported in the Human Gene Mutation Database (HGMD: prior to June 1st, 2018), and was therefore a candidate for classification through an automated scoring system. Utilizing variant allele frequency, disease prevalence and penetrance estimates, and inheritance mode, an automated score was calculated to assess if this variant is too frequent to cause the disease. Based on the score and internal cut-off values, a variant classified as benign is not then subjected to further curation. The score for this variant resulted in a classification of benign for this disease.

Breakthrough Genomics
Classification: Benign. Review status: criteria provided, single submitter. Criteria: ACMG Guidelines, 2015. Collection method: not provided. Allele origin: germline. Inheritance: Autosomal recessive inheritance. Affected: yes.